The following is an entry in ClinVar:

ClinVar aggregate classification (germline): Uncertain significance (1 of 4 stars; one submission).

Submission:

CeGaT Center for Human Genetics Tuebingen
Classification: Uncertain significance. Last evaluated: 2023-10-01. Review status: criteria provided, single submitter. Criteria: CeGaT Center For Human Genetics Tuebingen Variant Classification Criteria Version 2. Collection method: clinical testing. Allele origin: germline. Affected: yes. Observed: 1 variant allele.
Comment: RHAG: PM2, PM3:Supporting, PP4

NM_000324.3(RHAG):c.911G>A (p.Gly304Glu)

Gene: RHAG (Rh associated glycoprotein; minus strand). Cytogenetic location: 6p12.3.
Variant type: single nucleotide variant.
Coding change: c.911G>A on transcript NM_000324.3 (MANE Select); coding-DNA position 911, G replaced by A.
Protein change: p.Gly304Glu; replaces glycine 304 with glutamic acid.
Molecular consequence: missense variant.
Genome position (GRCh38, 1-based): chr6:49,612,431, C>T on the plus strand (G>A on the coding strand, the complement: RHAG is on the minus strand). VCF-style: chr6-49612431-C-T. GRCh37 (hg19) VCF-style: chr6-49580144-C-T.
Other names: short protein forms G304E.
Identifiers: ClinVar variation 2656636 (VCV002656636.24), dbSNP rs2532597006, ClinGen allele CA364398228.